The following is an entry in ClinVar:

ClinVar aggregate classification (germline): Uncertain significance (1 of 4 stars; one submission).

Conditions:
FG syndrome (FGS). Identifiers: MedGen C0220769, MONDO:0002010.

gnomAD v4.1: 2 of 1,168,185 alleles (0.00017%); highest among the groups gnomAD compares: Non-Finnish European, 0.00023%; no homozygotes.

Submission:

Labcorp Genetics (formerly Invitae), Labcorp
Classification: Uncertain significance for FG syndrome. Last evaluated: 2023-03-24. Review status: criteria provided, single submitter. Criteria: Invitae Variant Classification Sherloc (09022015). Collection method: clinical testing. Allele origin: germline.
Comment: In summary, the available evidence is currently insufficient to determine the role of this variant in disease. Therefore, it has been classified as a Variant of Uncertain Significance. Algorithms developed to predict the effect of sequence changes on RNA splicing suggest that this variant may disrupt the consensus splice site. This variant has not been reported in the literature in individuals affected with MED12-related conditions. This variant is not present in population databases (gnomAD no frequency). This sequence change falls in intron 1 of the MED12 gene. It does not directly change the encoded amino acid sequence of the MED12 protein.

NM_005120.3(MED12):c.100-15G>T

Gene: MED12 (mediator complex subunit 12; plus strand). Cytogenetic location: Xq13.1.
Variant type: single nucleotide variant.
Coding change: c.100-15G>T on transcript NM_005120.3 (MANE Select); 15 bases into the intron before coding-DNA position 100, G replaced by T.
Molecular consequence: intron variant.
Genome position (GRCh38, 1-based): chrX:71,119,358, G>T. VCF-style: chrX-71119358-G-T. GRCh37 (hg19) VCF-style: chrX-70339208-G-T.
Identifiers: ClinVar variation 2884523 (VCV002884523.3), dbSNP rs757311606, ClinGen allele CA641946050.
Genomic context (GRCh38, chrX:71,119,358, plus strand): 5'-TCTCCTGCCCTACTCTCCCACCCCTTCCCCCTTCCCCTAAGGAAAAAACAACTAAACGCC[G>T]CTTTCCTGCCTCAGGATGAACTGACGGCCTTGAATGTAAAACAAGGTTTCAATAACCAGC-3'